The following is an entry in ClinVar:

NM_014762.4(DHCR24):c.160G>T (p.Ala54Ser)

Gene: DHCR24 (24-dehydrocholesterol reductase; minus strand). Cytogenetic location: 1p32.3.
Variant type: single nucleotide variant.
Coding change: c.160G>T on transcript NM_014762.4 (MANE Select); coding-DNA position 160, G replaced by T.
Protein change: p.Ala54Ser; replaces alanine 54 with serine.
Molecular consequence: missense variant.
Genome position (GRCh38, 1-based): chr1:54,886,960, C>A on the plus strand (G>T on the coding strand, the complement: DHCR24 is on the minus strand). VCF-style: chr1-54886960-C-A. GRCh37 (hg19) VCF-style: chr1-55352633-C-A.
Other names: short protein forms A54S.
Identifiers: ClinVar variation 1484921 (VCV001484921.5), dbSNP rs929791124, ClinGen allele CA340466550.
Genomic context (GRCh38, chr1:54,886,960, plus strand): 5'-TGTCCCGCACGCGCTGCTCGTGCAGGCGCGGAGCGCTGCTGAGCTTGAACACCACCCAGG[C>A]GCGCACGTAGTAGTAGATATCGAAGATAAGCGAGAGCGGCAGGAGGAAGAGGCACACGAA-3'
Protein context (NP_055577.1, residues 44-64): LIFDIYYYVR[Ala54Ser]WVVFKLSSAP

ClinVar aggregate classification (germline): Uncertain significance (1 of 4 stars; one submission).

Allele frequency attached by ClinVar (database versions not stated): TOPMed below 0.00001; gnomAD 0.00001; gnomAD exomes 0.00001.
gnomAD v4.1: 9 of 1,613,598 alleles (0.00056%); highest among the groups gnomAD compares: Non-Finnish European, 0.00076%; no homozygotes.

Submission:

Labcorp Genetics (formerly Invitae), Labcorp
Classification: Uncertain significance. Last evaluated: 2024-05-08. Review status: criteria provided, single submitter. Criteria: Invitae Variant Classification Sherloc (09022015). Collection method: clinical testing. Allele origin: germline.
Comment: This sequence change replaces alanine, which is neutral and non-polar, with serine, which is neutral and polar, at codon 54 of the DHCR24 protein (p.Ala54Ser). This variant is present in population databases (no rsID available, gnomAD 0.002%). This variant has not been reported in the literature in individuals affected with DHCR24-related conditions. ClinVar contains an entry for this variant (Variation ID: 1484921). An algorithm developed to predict the effect of missense changes on protein structure and function (PolyPhen-2) suggests that this variant¬†is likely to be tolerated. In summary, the available evidence is currently insufficient to determine the role of this variant in disease. Therefore, it has been classified as a Variant of Uncertain Significance.